The following is an entry in ClinVar:

NM_015338.6(ASXL1):c.2639C>T (p.Thr880Ile)

Gene: ASXL1 (ASXL transcriptional regulator 1; plus strand). Cytogenetic location: 20q11.21.
Variant type: single nucleotide variant.
Coding change: c.2639C>T on transcript NM_015338.6 (MANE Select); coding-DNA position 2639, C replaced by T.
Protein change: p.Thr880Ile; replaces threonine 880 with isoleucine.
Molecular consequence: missense variant.
Genome position (GRCh38, 1-based): chr20:32,435,351, C>T. VCF-style: chr20-32435351-C-T. GRCh37 (hg19) VCF-style: chr20-31023154-C-T.
Other names: c.2456C>T, p.Thr819Ile (NM_001363734.1); short protein forms T819I, T880I.
Identifiers: ClinVar variation 4827422 (VCV004827422.1).
Genomic context (GRCh38, chr20:32,435,351, plus strand): 5'-GAGCATTTGATGACGAATTAGGGCTTGGTGGCTCATGCCCTCCTATGAGGGAAAGTGATA[C>T]TAGACAAGAAAACTTGAAAACCAAGGCTCTCGTTTCTAACAGTTCTTTGCATTGGATACC-3'
Protein context (NP_056153.2, residues 870-890): GSCPPMRESD[Thr880Ile]RQENLKTKAL

ClinVar aggregate classification (germline): Uncertain significance (1 of 4 stars; one submission).

Conditions:
Inborn genetic diseases. Identifiers: MedGen C0950123, MeSH D030342.

gnomAD v4.1: 2 of 1,614,144 alleles (0.00012%); highest among the groups gnomAD compares: Non-Finnish European, 0.00017%; no homozygotes.

Submission:

Ambry Genetics
Classification: Uncertain significance for Inborn genetic diseases. Last evaluated: 2026-03-08. Review status: criteria provided, single submitter. Criteria: Ambry Variant Classification Scheme 2023. Collection method: clinical testing. Allele origin: germline.
Comment: The p.T880I variant (also known as c.2639C>T), located in coding exon 13 of the ASXL1 gene, results from a C to T substitution at nucleotide position 2639. The threonine at codon 880 is replaced by isoleucine, an amino acid with similar properties. This amino acid position is conserved. In addition, this alteration is predicted to be tolerated by in silico analysis. Based on the available evidence, the clinical significance of this variant remains unclear.